The following is an entry in ClinVar:

ClinVar aggregate classification (germline): Uncertain significance (1 of 4 stars; one submission).

Conditions:
Neuronal ceroid lipofuscinosis. Also called: Neuronal Ceroid Lipofuscinoses. Identifiers: Orphanet 216, Orphanet 79263, MedGen C0027877, MONDO:0016295. Disease mechanism: loss of function.

Allele frequency attached by ClinVar (database versions not stated): gnomAD 0.00001.
gnomAD v4.1: 4 of 1,614,046 alleles (0.00025%); highest among the groups gnomAD compares: African/African-American, 0.0013%; no homozygotes.

Submission:

Labcorp Genetics (formerly Invitae), Labcorp
Classification: Uncertain significance for Neuronal ceroid lipofuscinosis. Last evaluated: 2024-06-14. Review status: criteria provided, single submitter. Criteria: Invitae Variant Classification Sherloc (09022015). Collection method: clinical testing. Allele origin: germline.
Comment: This sequence change replaces asparagine, which is neutral and polar, with serine, which is neutral and polar, at codon 277 of the CLN8 protein (p.Asn277Ser). This variant is not present in population databases (gnomAD no frequency). This variant has not been reported in the literature in individuals affected with CLN8-related conditions. ClinVar contains an entry for this variant (Variation ID: 1921291). Algorithms developed to predict the effect of missense changes on protein structure and function output the following: SIFT: "Not Available"; PolyPhen-2: "Benign"; Align-GVGD: "Not Available". The serine amino acid residue is found in multiple mammalian species, which suggests that this missense change does not adversely affect protein function. In summary, the available evidence is currently insufficient to determine the role of this variant in disease. Therefore, it has been classified as a Variant of Uncertain Significance.

NM_018941.4(CLN8):c.830A>G (p.Asn277Ser)

Gene: CLN8 (CLN8 transmembrane ER and ERGIC protein; plus strand). Cytogenetic location: 8p23.3.
Variant type: single nucleotide variant.
Coding change: c.830A>G on transcript NM_018941.4 (MANE Select); coding-DNA position 830, A replaced by G.
Protein change: p.Asn277Ser; replaces asparagine 277 with serine.
Molecular consequence: missense variant.
Genome position (GRCh38, 1-based): chr8:1,780,536, A>G. VCF-style: chr8-1780536-A-G. GRCh37 (hg19) VCF-style: chr8-1728702-A-G.
Other names: short protein forms N277S.
Identifiers: ClinVar variation 1921291 (VCV001921291.3), dbSNP rs1284620446, ClinGen allele CA369954416.